The following is an entry in ClinVar:

NM_001783.4(CD79A):c.583G>A (p.Asp195Asn)

Genes: CD79A (CD79a molecule; plus strand), RPS19-CD79A (RPS19-CD79A readthrough; plus strand). Cytogenetic location: 19q13.2.
Variant type: single nucleotide variant.
Coding change: c.583G>A on transcript NM_001783.4 (MANE Select); coding-DNA position 583, G replaced by A.
Protein change: p.Asp195Asn; replaces aspartic acid 195 with asparagine.
Molecular consequence: missense variant.
Genome position (GRCh38, 1-based): chr19:41,880,882, G>A. VCF-style: chr19-41880882-G-A. GRCh37 (hg19) VCF-style: chr19-42384949-G-A.
Other names: c.469G>A, p.Asp157Asn (NM_021601.4); short protein forms D195N, D157N.
Identifiers: ClinVar variation 953959 (VCV000953959.9), dbSNP rs782658262, ClinGen allele CA9465683.

ClinVar aggregate classification (germline): Uncertain significance (1 of 4 stars; one submission).

Conditions:
Agammaglobulinemia 3, autosomal recessive (AGM3). Also called: AGAMMAGLOBULINEMIA 3; AGAMMAGLOBULINEMIA, AUTOSOMAL RECESSIVE, DUE TO CD79A DEFECT. Identifiers: MedGen C3150751, MONDO:0013288, OMIM 613501.

Allele frequency attached by ClinVar (database versions not stated): gnomAD exomes below 0.00001; ExAC 0.00002; gnomAD 0.00004; TOPMed 0.00005.
gnomAD v4.1: 9 of 1,604,096 alleles (0.00056%); highest among the groups gnomAD compares: African/African-American, 0.008%; no homozygotes.

Submission:

Labcorp Genetics (formerly Invitae), Labcorp
Classification: Uncertain significance for Agammaglobulinemia 3, autosomal recessive. Last evaluated: 2019-07-19. Review status: criteria provided, single submitter. Criteria: Invitae Variant Classification Sherloc (09022015). Collection method: clinical testing. Allele origin: germline.
Comment: This sequence change replaces aspartic acid with asparagine at codon 195 of the CD79A protein (p.Asp195Asn). The aspartic acid residue is moderately conserved and there is a small physicochemical difference between aspartic acid and asparagine. In summary, the available evidence is currently insufficient to determine the role of this variant in disease. Therefore, it has been classified as a Variant of Uncertain Significance. Algorithms developed to predict the effect of missense changes on protein structure and function are either unavailable or do not agree on the potential impact of this missense change (SIFT: "Deleterious"; PolyPhen-2: "Probably Damaging"; Align-GVGD: "Class C0"). This variant has not been reported in the literature in individuals with CD79A-related conditions. This variant is present in population databases (rs782658262, ExAC no frequency).